The following is an entry in ClinVar:

ClinVar aggregate classification (germline): Uncertain significance (1 of 4 stars; one submission).

Conditions:
Autosomal recessive limb-girdle muscular dystrophy type 2J (LGMDR10). Also called: Limb-girdle muscular dystrophy, type 2J; MUSCULAR DYSTROPHY, LIMB-GIRDLE, AUTOSOMAL RECESSIVE 10. Identifiers: Orphanet 140922, MedGen C1837342, MONDO:0012127, OMIM 608807.
Dilated cardiomyopathy 1G (CMD1G). Identifiers: Orphanet 154, MedGen C1858763, MONDO:0011400, OMIM 604145.

Submission:

Labcorp Genetics (formerly Invitae), Labcorp
Classification: Uncertain significance for Dilated cardiomyopathy 1G; Autosomal recessive limb-girdle muscular dystrophy type 2J. Last evaluated: 2024-09-19. Review status: criteria provided, single submitter. Criteria: Invitae Variant Classification Sherloc (09022015). Collection method: clinical testing. Allele origin: germline.
Comment: This sequence change replaces isoleucine, which is neutral and non-polar, with arginine, which is basic and polar, at codon 20102 of the TTN protein (p.Ile20102Arg). This variant is not present in population databases (gnomAD no frequency). This variant has not been reported in the literature in individuals affected with TTN-related conditions. ClinVar contains an entry for this variant (Variation ID: 467333). Experimental studies and prediction algorithms are not available or were not evaluated, and the functional significance of this variant is currently unknown. This variant is located in the A band of TTN (PMID: 25589632). Variants in this region may be relevant for cardiac or neuromuscular disorders (PMID: 25589632, 23975875). In summary, the available evidence is currently insufficient to determine the role of this variant in disease. Therefore, it has been classified as a Variant of Uncertain Significance.

Literature cited by the submitters: PubMed 25589632; PubMed 23975875.

NM_001267550.2(TTN):c.60305T>G (p.Ile20102Arg)

Genes: TTN (titin; minus strand), TTN-AS1 (TTN antisense RNA 1; plus strand). Cytogenetic location: 2q31.2.
Variant type: single nucleotide variant.
Coding change: c.60305T>G on transcript NM_001267550.2 (MANE Select); coding-DNA position 60305, T replaced by G.
Protein change: p.Ile20102Arg; replaces isoleucine 20102 with arginine.
Molecular consequence: missense variant.
Genome position (GRCh38, 1-based): chr2:178,591,420, A>C on the plus strand (T>G on the coding strand, the complement: TTN is on the minus strand). VCF-style: chr2-178591420-A-C. GRCh37 (hg19) VCF-style: chr2-179456147-A-C.
Other names: c.55382T>G, p.Ile18461Arg (NM_001256850.1); c.33110T>G, p.Ile11037Arg (NM_003319.4); c.52601T>G, p.Ile17534Arg (NM_133378.4); c.33485T>G, p.Ile11162Arg (NM_133432.3); c.33686T>G, p.Ile11229Arg (NM_133437.4); short protein forms I20102R, I11037R, I17534R, I11162R, I18461R, I11229R.
Identifiers: ClinVar variation 467333 (VCV000467333.6), dbSNP rs998020901, ClinGen allele CA60969894.
Genomic context (GRCh38, chr2:178,591,420, plus strand): 5'-TCGGTTTTAATCTCACTCCCATCGGTTGTCCACTTTGCAGTAGGAACAGGCACACCTCTT[A>C]TAATAGCAGGGAATCTGACTGTGGTTCCAGCCTTTACCACAAGACCTTCAATTAATTTCA-3'
Protein context (NP_001254479.2, residues 20092-20112): AGTTVRFPAI[Ile20102Arg]RGVPVPTAKW